The following is an entry in ClinVar:

ClinVar aggregate classification (germline): Uncertain significance (1 of 4 stars; one submission).

Conditions:
Hypercoagulability syndrome due to glycosylphosphatidylinositol deficiency (GPIBD1). Also called: GLYCOSYLPHOSPHATIDYLINOSITOL BIOSYNTHESIS DEFECT 1. Identifiers: Orphanet 83639, MedGen C5201145, MONDO:0012465, OMIM 610293.

Allele frequency attached by ClinVar (database versions not stated): gnomAD exomes 0.00002; ExAC 0.00007; ESP Exome Variant Server 0.00008; TOPMed 0.00009; gnomAD 0.00010.
gnomAD v4.1: 56 of 1,613,820 alleles (0.0035%); highest among the groups gnomAD compares: Middle Eastern, 0.049%; no homozygotes.

Submission:

Labcorp Genetics (formerly Invitae), Labcorp
Classification: Uncertain significance for Hypercoagulability syndrome due to glycosylphosphatidylinositol deficiency. Last evaluated: 2022-08-06. Review status: criteria provided, single submitter. Criteria: Invitae Variant Classification Sherloc (09022015). Collection method: clinical testing. Allele origin: germline.
Comment: In summary, the available evidence is currently insufficient to determine the role of this variant in disease. Therefore, it has been classified as a Variant of Uncertain Significance. Algorithms developed to predict the effect of missense changes on protein structure and function output the following: SIFT: "Deleterious"; PolyPhen-2: "Benign"; Align-GVGD: "Class C0". The cysteine amino acid residue is found in multiple mammalian species, which suggests that this missense change does not adversely affect protein function. This variant has not been reported in the literature in individuals affected with PIGM-related conditions. This variant is present in population databases (rs376519579, gnomAD 0.02%). This sequence change replaces arginine, which is basic and polar, with cysteine, which is neutral and slightly polar, at codon 205 of the PIGM protein (p.Arg205Cys).

NM_145167.3(PIGM):c.613C>T (p.Arg205Cys)

Gene: PIGM (phosphatidylinositol glycan anchor biosynthesis class M; minus strand). Cytogenetic location: 1q23.2.
Variant type: single nucleotide variant.
Coding change: c.613C>T on transcript NM_145167.3 (MANE Select); coding-DNA position 613, C replaced by T.
Protein change: p.Arg205Cys; replaces arginine 205 with cysteine.
Molecular consequence: missense variant.
Genome position (GRCh38, 1-based): chr1:160,031,127, G>A on the plus strand (C>T on the coding strand, the complement: PIGM is on the minus strand). VCF-style: chr1-160031127-G-A. GRCh37 (hg19) VCF-style: chr1-160000917-G-A.
Other names: short protein forms R205C.
Identifiers: ClinVar variation 2142785 (VCV002142785.4), dbSNP rs376519579, ClinGen allele CA1193005.